The following is an entry in ClinVar:

ClinVar aggregate classification (germline): Benign. Review status: criteria provided, multiple submitters, no conflicts (2 of 4 stars). 4 submissions from 4 submitters: Benign (4). Last evaluated 2024-07-15.

Conditions:
Developmental and epileptic encephalopathy 94 (DEE94). Also called: Epileptic encephalopathy, childhood-onset; CHD2-Related Neurodevelopmental Disorders. Identifiers: Orphanet 1942, Orphanet 2382, MedGen C3809278, MONDO:0014150, OMIM 615369.

Allele frequency attached by ClinVar (database versions not stated): 1000 Genomes Project 30x 0.08620; 1000 Genomes Project 0.08726; gnomAD 0.16844 and 0.17307; TOPMed 0.17168; gnomAD exomes 0.22567.
gnomAD v4.1: 293,103 of 1,339,842 alleles (22%); highest among the groups gnomAD compares: Non-Finnish European, 26%; 36,815 homozygotes.

Submissions (4):

Unidad de Genómica Garrahan, Hospital de Pediatría Garrahan
Classification: Benign. Last evaluated: 2024-07-15. Review status: criteria provided, single submitter. Criteria: ACMG Guidelines, 2015. Collection method: clinical testing. Allele origin: germline. Affected: no. Observed: 31 variant alleles.
Comment: This variant is classified as Benign based on local population frequency. This variant was detected in 33% of patients studied in a panel designed for Epileptic and Developmental Encephalopathy and Progressive Myoclonus Epilepsy. Number of patients: 31. Only high quality variants are reported.

Genome-Nilou Lab
Classification: Benign for Developmental and epileptic encephalopathy 94. Last evaluated: 2021-07-22. Review status: criteria provided, single submitter. Criteria: ACMG Guidelines, 2015. Collection method: clinical testing. Allele origin: germline. Affected: no.

GeneDx
Classification: Benign. Last evaluated: 2018-06-18. Review status: criteria provided, single submitter. Criteria: GeneDx Variant Classification (06012015). Collection method: clinical testing. Allele origin: germline. Affected: yes.
Comment: This variant is considered likely benign or benign based on one or more of the following criteria: it is a conservative change, it occurs at a poorly conserved position in the protein, it is predicted to be benign by multiple in silico algorithms, and/or has population frequency not consistent with disease.

Breakthrough Genomics
Classification: Benign. Review status: criteria provided, single submitter. Criteria: ACMG Guidelines, 2015. Collection method: not provided. Allele origin: germline. Inheritance: Autosomal dominant inheritance. Affected: yes.

NM_001271.4(CHD2):c.5154-74C>T

Gene: CHD2 (chromodomain helicase DNA binding protein 2; plus strand). Cytogenetic location: 15q26.1.
Variant type: single nucleotide variant.
Coding change: c.5154-74C>T on transcript NM_001271.4 (MANE Select); 74 bases into the intron before coding-DNA position 5154, C replaced by T.
Molecular consequence: intron variant.
Genome position (GRCh38, 1-based): chr15:93,024,298, C>T. VCF-style: chr15-93024298-C-T. GRCh37 (hg19) VCF-style: chr15-93567528-C-T.
Identifiers: ClinVar variation 680102 (VCV000680102.6), dbSNP rs12905033, ClinGen allele CA14174341.